The following is an entry in ClinVar:

ClinVar aggregate classification (germline): Uncertain significance (1 of 4 stars; one submission).

Conditions:
Hereditary cancer-predisposing syndrome. Also called: Neoplastic Syndromes, Hereditary; Tumor predisposition; Hereditary neoplastic syndrome; Hereditary Cancer Syndrome. Identifiers: Orphanet 140162, MedGen C0027672, MeSH D009386, MONDO:0015356.

Submission:

Ambry Genetics
Classification: Uncertain significance for Hereditary cancer-predisposing syndrome. Last evaluated: 2024-05-25. Review status: criteria provided, single submitter. Criteria: Ambry Variant Classification Scheme 2023. Collection method: clinical testing. Allele origin: germline.
Comment: The p.Y1490C variant (also known as c.4469A>G), located in coding exon 35 of the POLE gene, results from an A to G substitution at nucleotide position 4469. The tyrosine at codon 1490 is replaced by cysteine, an amino acid with highly dissimilar properties. This amino acid position is conserved. In addition, the in silico prediction for this alteration is inconclusive. Based on the available evidence, the clinical significance of this variant remains unclear.

NM_006231.4(POLE):c.4469A>G (p.Tyr1490Cys)

Gene: POLE (DNA polymerase epsilon, catalytic subunit; minus strand). Cytogenetic location: 12q24.33.
Variant type: single nucleotide variant.
Coding change: c.4469A>G on transcript NM_006231.4 (MANE Select); coding-DNA position 4469, A replaced by G.
Protein change: p.Tyr1490Cys; replaces tyrosine 1490 with cysteine.
Molecular consequence: missense variant.
Genome position (GRCh38, 1-based): chr12:132,643,306, T>C on the plus strand (A>G on the coding strand, the complement: POLE is on the minus strand). VCF-style: chr12-132643306-T-C. GRCh37 (hg19) VCF-style: chr12-133219892-T-C.
Other names: short protein forms Y1490C.
Identifiers: ClinVar variation 3308427 (VCV003308427.1).